The following is an entry in ClinVar:

NM_013435.3(RAX):c.*908T>C

Gene: RAX (retina and anterior neural fold homeobox; minus strand). Cytogenetic location: 18q21.32.
Variant type: single nucleotide variant.
Coding change: c.*908T>C on transcript NM_013435.3 (MANE Select); 908 bases downstream of the stop codon, T replaced by C.
Molecular consequence: 3 prime UTR variant.
Genome position (GRCh38, 1-based): chr18:59,268,096, A>G on the plus strand (T>C on the coding strand, the complement: RAX is on the minus strand). VCF-style: chr18-59268096-A-G. GRCh37 (hg19) VCF-style: chr18-56935328-A-G.
Identifiers: ClinVar variation 327523 (VCV000327523.6), dbSNP rs45501496, ClinGen allele CA10647975.

ClinVar aggregate classification (germline): Likely benign. Review status: criteria provided, multiple submitters, no conflicts (2 of 4 stars). 2 submissions from 2 submitters: Likely benign (2). Last evaluated 2017-04-27.

Conditions:
Isolated microphthalmia 3 (MCOPS16). Also called: MICROPHTHALMIA, SYNDROMIC 16. Identifiers: Orphanet 2542, MedGen C5774181, MONDO:0012604, OMIM 611038.

Allele frequency attached by ClinVar (database versions not stated): gnomAD exomes 0.22426; 1000 Genomes Project 0.28794; 1000 Genomes Project 30x 0.29310; gnomAD 0.30697 and 0.31214; TOPMed 0.31271.
gnomAD v4.1: 46,752 of 152,094 alleles (31%); highest among the groups gnomAD compares: African/African-American, 41%; 7,665 homozygotes.

Submissions (2):

Illumina Laboratory Services, Illumina
Classification: Likely benign for Isolated microphthalmia 3. Last evaluated: 2017-04-27. Review status: criteria provided, single submitter. Criteria: ICSL Variant Classification Criteria 13 December 2019. Collection method: clinical testing. Allele origin: germline.
Comment: This variant was observed as part of a predisposition screen in an ostensibly healthy population. A literature search was performed for the gene, cDNA change, and amino acid change (where applicable). No publications were found based on this search. Allele frequency data from public databases allowed determination this variant is unlikely to cause disease. Therefore, this variant is classified as likely benign.

Breakthrough Genomics
Classification: Likely benign. Review status: criteria provided, single submitter. Criteria: ACMG Guidelines, 2015. Collection method: not provided. Allele origin: germline. Inheritance: Autosomal recessive inheritance. Affected: yes.